The following is an entry in ClinVar:

NM_152490.5(B3GALNT2):c.204C>T (p.Asn68=)

Gene: B3GALNT2 (beta-1,3-N-acetylgalactosaminyltransferase 2; minus strand). Cytogenetic location: 1q42.3.
Variant type: single nucleotide variant.
Coding change: c.204C>T on transcript NM_152490.5 (MANE Select); coding-DNA position 204, C replaced by T.
Protein change: p.Asn68=; no amino-acid change (asparagine 68 retained).
Molecular consequence: synonymous variant.
Genome position (GRCh38, 1-based): chr1:235,494,737, G>A on the plus strand (C>T on the coding strand, the complement: B3GALNT2 is on the minus strand). VCF-style: chr1-235494737-G-A. GRCh37 (hg19) VCF-style: chr1-235658047-G-A.
Other names: c.204C>T (NM_152490.4); c.327C>T, p.Asn109= (NM_001277155.3).
Identifiers: ClinVar variation 1577856 (VCV001577856.10), dbSNP rs1057182171, ClinGen allele CA39587508.

ClinVar aggregate classification (germline): Likely benign. Review status: criteria provided, single submitter (1 of 4 stars). 2 submissions from 2 submitters: Likely benign (1). 1 of the submissions does not count toward it. Last evaluated 2023-05-05.

Conditions:
B3GALNT2-related disorder. Also called: B3GALNT2-related condition.
Muscular dystrophy-dystroglycanopathy (congenital with brain and eye anomalies), type a, 11 (MDDGA11). Also called: WALKER-WARBURG SYNDROME OR MUSCLE-EYE-BRAIN DISEASE, B3GALNT2-RELATED; Congenital muscular dystrophy-dystroglycanopathy with brain and eye anomalies, type A11; Muscular dystrophy-dystroglycanopathy (congenital with brain and eye anomalies, type A, 11. Identifiers: Orphanet 588, Orphanet 899, MedGen C3554638, MONDO:0014071, OMIM 615181.

Allele frequency attached by ClinVar (database versions not stated): gnomAD exomes below 0.00001 and 0.00001; TOPMed below 0.00001.
gnomAD v4.1: 18 of 1,612,756 alleles (0.0011%); highest among the groups gnomAD compares: Admixed American, 0.0017%; no homozygotes.

Submissions (2):

Labcorp Genetics (formerly Invitae), Labcorp
Classification: Likely benign for Muscular dystrophy-dystroglycanopathy (congenital with brain and eye anomalies), type a, 11. Last evaluated: 2023-05-05. Review status: criteria provided, single submitter. Criteria: Invitae Variant Classification Sherloc (09022015). Collection method: clinical testing. Allele origin: germline.

PreventionGenetics, part of Exact Sciences
Classification: Likely benign for B3GALNT2-related condition. Last evaluated: 2023-01-04. Review status: no assertion criteria provided. Collection method: clinical testing. Allele origin: germline. Not counted in ClinVar's aggregate classification.
Comment: This variant is classified as likely benign based on ACMG/AMP sequence variant interpretation guidelines (Richards et al. 2015 PMID: 25741868, with internal and published modifications).